The following is an entry in ClinVar:

NM_015662.3(IFT172):c.5149A>C (p.Met1717Leu)

Genes: IFT172 (intraflagellar transport 172; minus strand), KRTCAP3 (keratinocyte associated protein 3; plus strand). Cytogenetic location: 2p23.3.
Variant type: single nucleotide variant.
Coding change: c.5149A>C on transcript NM_015662.3 (MANE Select); coding-DNA position 5149, A replaced by C.
Protein change: p.Met1717Leu; replaces methionine 1717 with leucine.
Molecular consequence: missense variant. On other transcripts: intron variant (1).
Genome position (GRCh38, 1-based): chr2:27,445,025, T>G on the plus strand (A>C on the coding strand, the complement: IFT172 is on the minus strand). VCF-style: chr2-27445025-T-G. GRCh37 (hg19) VCF-style: chr2-27667892-T-G.
Other names: c.5083A>C, p.Met1695Leu (NM_001410739.1); c.*5+964T>G (NM_001168364.2); c.5149A>C (NM_015662.1); short protein forms M1717L, M1695L.
Identifiers: ClinVar variation 968095 (VCV000968095.13), dbSNP rs146309780, ClinGen allele CA1579346.
Genomic context (GRCh38, chr2:27,445,025, plus strand): 5'-TTTTAGTGCTGCCCTCTCTGCCTTCATTCTCCAAGTCCTCCTCTCTAACCTTGATGGCCA[T>G]AAGGAATTTATTCCAGTTGTCCTTGTTAGCAGCCTTCCCTGGCCGCTTAAATTCAATTTT-3'
Protein context (NP_056477.1, residues 1707-1727): ANKDNWNKFL[Met1717Leu]AIKTSHSPVC

ClinVar aggregate classification (germline): Uncertain significance. Review status: criteria provided, multiple submitters, no conflicts (2 of 4 stars). 4 submissions from 4 submitters: Uncertain significance (3). 1 of the submissions does not count toward it. Last evaluated 2024-06-07.

Conditions:
Retinitis pigmentosa 71 (RP71). Identifiers: Orphanet 791, MedGen C4225342, MONDO:0014618, OMIM 616394.
Short-rib thoracic dysplasia 10 with or without polydactyly (SRTD10). Identifiers: Orphanet 474, MedGen C3810175, MONDO:0014284, OMIM 615630.
Bardet-Biedl syndrome 20. Identifiers: MedGen C4310707, MONDO:0023670, OMIM 619471, MONDO:0014926.
Inborn genetic diseases. Identifiers: MedGen C0950123, MeSH D030342.
Retinal dystrophy. Also called: Inherited retinal dystrophy. Identifiers: Orphanet 71862, MedGen C0854723, MeSH D058499, MONDO:0019118, HP:0000556.

Allele frequency attached by ClinVar (database versions not stated): gnomAD exomes 0.00002; TOPMed 0.00003; ExAC 0.00001; gnomAD 0.00001; ESP Exome Variant Server 0.00008.
gnomAD v4.1: 37 of 1,613,690 alleles (0.0023%); highest among the groups gnomAD compares: Non-Finnish European, 0.0031%; no homozygotes.

Submissions (4):

Ambry Genetics
Classification: Uncertain significance for Inborn genetic diseases. Last evaluated: 2024-06-07. Review status: criteria provided, single submitter. Criteria: Ambry Variant Classification Scheme 2023. Collection method: clinical testing. Allele origin: germline.

Fulgent Genetics
Classification: Uncertain significance for Short-rib thoracic dysplasia 10 with or without polydactyly; Retinitis pigmentosa 71; Bardet-Biedl syndrome 20. Last evaluated: 2021-12-23. Review status: criteria provided, single submitter. Criteria: ACMG Guidelines, 2015. Collection method: clinical testing. Allele origin: unknown.

Labcorp Genetics (formerly Invitae), Labcorp
Classification: Uncertain significance for Retinitis pigmentosa 71; Short-rib thoracic dysplasia 10 with or without polydactyly. Last evaluated: 2019-11-07. Review status: criteria provided, single submitter. Criteria: Invitae Variant Classification Sherloc (09022015). Collection method: clinical testing. Allele origin: germline.
Comment: This sequence change replaces methionine with leucine at codon 1717 of the IFT172 protein (p.Met1717Leu). The methionine residue is moderately conserved and there is a small physicochemical difference between methionine and leucine. This variant is present in population databases (rs146309780, ExAC 0.001%). This variant has not been reported in the literature in individuals with IFT172-related conditions. Algorithms developed to predict the effect of missense changes on protein structure and function (SIFT, PolyPhen-2, Align-GVGD) all suggest that this variant is likely to be tolerated, but these predictions have not been confirmed by published functional studies and their clinical significance is uncertain. In summary, the available evidence is currently insufficient to determine the role of this variant in disease. Therefore, it has been classified as a Variant of Uncertain Significance.

Institute of Human Genetics, Univ. Regensburg, Univ. Regensburg
Classification: Uncertain significance for Retinal dystrophy. Last evaluated: 2023-01-01. Review status: no assertion criteria provided. Criteria: ACMG Guidelines, 2015. Collection method: clinical testing. Allele origin: germline. Affected: yes. Not counted in ClinVar's aggregate classification.